The following is an entry in ClinVar:

ClinVar aggregate classification (germline): Uncertain significance (1 of 4 stars; one submission).

Conditions:
Cardiovascular phenotype. Identifiers: MedGen CN230736.
Hereditary cancer-predisposing syndrome. Also called: Hereditary Cancer Syndrome; Hereditary neoplastic syndrome; Neoplastic Syndromes, Hereditary; Tumor predisposition. Identifiers: Orphanet 140162, MedGen C0027672, MeSH D009386, MONDO:0015356.

Submission:

Ambry Genetics
Classification: Uncertain significance for Cardiovascular phenotype; Hereditary cancer-predisposing syndrome. Last evaluated: 2021-02-12. Review status: criteria provided, single submitter. Criteria: Ambry Variant Classification Scheme 2023. Collection method: clinical testing. Allele origin: germline.
Comment: The p.L2095V variant (also known as c.6283C>G), located in coding exon 41 of the NF1 gene, results from a C to G substitution at nucleotide position 6283. The leucine at codon 2095 is replaced by valine, an amino acid with highly similar properties. This amino acid position is highly conserved in available vertebrate species. In addition, this alteration is predicted to be deleterious by in silico analysis. Since supporting evidence is limited at this time, the clinical significance of this alteration remains unclear.

NM_001042492.3(NF1):c.6346C>G (p.Leu2116Val)

Gene: NF1 (neurofibromin 1; plus strand). Cytogenetic location: 17q11.2.
Variant type: single nucleotide variant.
Coding change: c.6346C>G on transcript NM_001042492.3 (MANE Select); coding-DNA position 6346, C replaced by G.
Protein change: p.Leu2116Val; replaces leucine 2116 with valine.
Molecular consequence: missense variant.
Genome position (GRCh38, 1-based): chr17:31,336,833, C>G. VCF-style: chr17-31336833-C-G. GRCh37 (hg19) VCF-style: chr17-29663851-C-G.
Other names: c.6283C>G, p.Leu2095Val (NM_000267.4); short protein forms L2095V, L2116V.
Identifiers: ClinVar variation 1752612 (VCV001752612.2), dbSNP rs2151554909, ClinGen allele CA399012796.